The following is an entry in ClinVar:

NM_001478.5(B4GALNT1):c.1210C>T (p.Pro404Ser)

Gene: B4GALNT1 (beta-1,4-N-acetyl-galactosaminyltransferase 1; minus strand). Cytogenetic location: 12q13.3.
Variant type: single nucleotide variant.
Coding change: c.1210C>T on transcript NM_001478.5 (MANE Select); coding-DNA position 1210, C replaced by T.
Protein change: p.Pro404Ser; replaces proline 404 with serine.
Molecular consequence: missense variant.
Genome position (GRCh38, 1-based): chr12:57,627,792, G>A on the plus strand (C>T on the coding strand, the complement: B4GALNT1 is on the minus strand). VCF-style: chr12-57627792-G-A. GRCh37 (hg19) VCF-style: chr12-58021575-G-A.
Other names: c.1045C>T, p.Pro349Ser (NM_001276468.2, NM_001413978.1); c.1378C>T, p.Pro460Ser (NM_001413967.1); c.1345C>T, p.Pro449Ser (NM_001413968.1, NM_001413969.1); c.1243C>T, p.Pro415Ser (NM_001413970.1, NM_001413971.1, NM_001413972.1); c.1210C>T, p.Pro404Ser (NM_001413973.1, NM_001413974.1); c.1111C>T, p.Pro371Ser (NM_001413977.1); c.358C>T, p.Pro120Ser (NM_001413981.1); c.256C>T, p.Pro86Ser (NM_001413982.1); and 2 more; short protein forms P120S, P349S, P371S, P404S, P415S, P449S, P460S, P75S.
Identifiers: ClinVar variation 2415745 (VCV002415745.7), dbSNP rs756953267, ClinGen allele CA6655490.

ClinVar aggregate classification (germline): Uncertain significance. Review status: criteria provided, multiple submitters, no conflicts (2 of 4 stars). 2 submissions from 2 submitters: Uncertain significance (2). Last evaluated 2023-02-16.

Conditions:
Spastic paraplegia. Identifiers: MedGen C0037772, HP:0001258.
Inborn genetic diseases. Identifiers: MedGen C0950123, MeSH D030342.

Allele frequency attached by ClinVar (database versions not stated): TOPMed below 0.00001.

Submissions (2):

Ambry Genetics
Classification: Uncertain significance for Inborn genetic diseases. Last evaluated: 2023-02-16. Review status: criteria provided, single submitter. Criteria: Ambry Variant Classification Scheme 2023. Collection method: clinical testing. Allele origin: germline.

Labcorp Genetics (formerly Invitae), Labcorp
Classification: Uncertain significance for Spastic paraplegia. Last evaluated: 2022-07-23. Review status: criteria provided, single submitter. Criteria: Invitae Variant Classification Sherloc (09022015). Collection method: clinical testing. Allele origin: germline.
Comment: Algorithms developed to predict the effect of missense changes on protein structure and function output the following: SIFT: "Tolerated"; PolyPhen-2: "Benign"; Align-GVGD: "Class C0". The serine amino acid residue is found in multiple mammalian species, which suggests that this missense change does not adversely affect protein function. In summary, the available evidence is currently insufficient to determine the role of this variant in disease. Therefore, it has been classified as a Variant of Uncertain Significance. This variant has not been reported in the literature in individuals affected with B4GALNT1-related conditions. The frequency data for this variant in the population databases is considered unreliable, as metrics indicate poor data quality at this position in the gnomAD database. This sequence change replaces proline, which is neutral and non-polar, with serine, which is neutral and polar, at codon 404 of the B4GALNT1 protein (p.Pro404Ser).